The following is an entry in ClinVar:

NM_004035.7(ACOX1):c.986A>G (p.Tyr329Cys)

Gene: ACOX1 (acyl-CoA oxidase 1; minus strand). Cytogenetic location: 17q25.1.
Variant type: single nucleotide variant.
Coding change: c.986A>G on transcript NM_004035.7 (MANE Select); coding-DNA position 986, A replaced by G.
Protein change: p.Tyr329Cys; replaces tyrosine 329 with cysteine.
Molecular consequence: missense variant.
Genome position (GRCh38, 1-based): chr17:75,951,536, T>C on the plus strand (A>G on the coding strand, the complement: ACOX1 is on the minus strand). VCF-style: chr17-75951536-T-C. GRCh37 (hg19) VCF-style: chr17-73947617-T-C.
Other names: c.872A>G, p.Tyr291Cys (NM_001185039.2); c.986A>G, p.Tyr329Cys (NM_007292.6); short protein forms Y329C, Y291C.
Identifiers: ClinVar variation 2154155 (VCV002154155.1), dbSNP rs775879557, ClinGen allele CA8776863.
Genomic context (GRCh38, chr17:75,951,536, plus strand): 5'-TTCATGTATGCGCCCACAAACTGGAAGGCATAGGCAGTGGCCAGGAGTGGAAAGAGTTTA[T>C]ACTGCTGGGTTTGAAAATCCAAAATCTGTGGTTCTGGTTCACTACGTGACATAGAAAAAG-3'
Protein context (NP_004026.2, residues 319-339): PQILDFQTQQ[Tyr329Cys]KLFPLLATAY

ClinVar aggregate classification (germline): Uncertain significance (1 of 4 stars; one submission).

Conditions:
Acyl-CoA oxidase deficiency. Also called: Peroxisomal acyl-CoA oxidase deficiency; STRAIGHT-CHAIN ACYL-CoA OXIDASE DEFICIENCY; Pseudoneonatal adrenoleukodystrophy. Identifiers: Orphanet 2971, MedGen C1849678, MONDO:0009919, OMIM 264470. Disease mechanism: loss of function.

Allele frequency attached by ClinVar (database versions not stated): ExAC 0.00001; gnomAD 0.00001.
gnomAD v4.1: 6 of 1,614,052 alleles (0.00037%); highest among the groups gnomAD compares: Non-Finnish European, 0.00051%; no homozygotes.

Submission:

Labcorp Genetics (formerly Invitae), Labcorp
Classification: Uncertain significance for Acyl-CoA oxidase deficiency. Last evaluated: 2022-05-19. Review status: criteria provided, single submitter. Criteria: Invitae Variant Classification Sherloc (09022015). Collection method: clinical testing. Allele origin: germline.
Comment: This sequence change replaces tyrosine, which is neutral and polar, with cysteine, which is neutral and slightly polar, at codon 329 of the ACOX1 protein (p.Tyr329Cys). This variant is present in population databases (rs775879557, gnomAD 0.0009%). This variant has not been reported in the literature in individuals affected with ACOX1-related conditions. Algorithms developed to predict the effect of missense changes on protein structure and function (SIFT, PolyPhen-2, Align-GVGD) all suggest that this variant is likely to be disruptive. In summary, the available evidence is currently insufficient to determine the role of this variant in disease. Therefore, it has been classified as a Variant of Uncertain Significance.